The following is an entry in ClinVar:

NM_007194.4(CHEK2):c.1437_1446del (p.Glu479fs)

Gene: CHEK2 (checkpoint kinase 2; minus strand). Cytogenetic location: 22q12.1.
Variant type: Deletion.
Coding change: c.1437_1446del on transcript NM_007194.4 (MANE Select); coding-DNA positions 1437 to 1446, 10 bases deleted (AGCCTTAAGA; older notation c.1437_1446delAGCCTTAAGA).
Protein change: p.Glu479fs; shifts the reading frame from glutamic acid 479.
Molecular consequence: frameshift variant.
Genome position (GRCh38, 1-based): chr22:28,694,047-28,694,056, TCTTAAGGCT deleted on the plus strand (AGCCTTAAGA on the coding strand, the reverse complement: CHEK2 is on the minus strand); deleting any 10 consecutive bases within chr22:28,694,047-28,694,060 gives the same sequence; the c. name uses the placement nearest the transcript's 3' end. VCF-style (leftmost placement, unchanged base first): chr22-28694046-GTCTTAAGGCT-G. GRCh37 (hg19) VCF-style: chr22-29090034-GTCTTAAGGCT-G.
Other names: c.1562_1571delAAGAAGCCTT, p.Glu522Aspfs (NM_001005735.3); c.770_779delAAGAAGCCTT, p.Glu258Aspfs (NM_001257387.3); c.1232_1241delAAGAAGCCTT, p.Glu412Aspfs (NM_001349956.3); c.1346_1355delAAGAAGCCTT, p.Glu450Aspfs (NM_145862.3); short protein forms E258fs, E412fs, E450fs, E479fs, E522fs.
Identifiers: ClinVar variation 2583426 (VCV002583426.2), dbSNP rs2517786596, ClinGen allele CA2582342737.

ClinVar aggregate classification (germline): Pathogenic (1 of 4 stars; one submission).

Conditions:
Familial cancer of breast. Also called: Hereditary breast cancer; BREAST CANCER, FAMILIAL; hereditary breast carcinoma. Identifiers: Orphanet 227535, MedGen C0346153, MONDO:0016419, OMIM 114480. Disease mechanism: loss of function.

Submission:

Myriad Genetics, Inc.
Classification: Pathogenic for Familial cancer of breast. Last evaluated: 2023-06-28. Review status: criteria provided, single submitter. Criteria: Myriad Autosomal Dominant, Autosomal Recessive and X-Linked Classification Criteria (2023). Collection method: clinical testing. Allele origin: unknown.
Comment: This variant is considered pathogenic. This variant creates a frameshift predicted to result in premature protein truncation.